The following is an entry in ClinVar:

NM_207037.2(TCF12):c.1795G>C (p.Glu599Gln)

Gene: TCF12 (transcription factor 12; plus strand). Cytogenetic location: 15q21.3.
Variant type: single nucleotide variant.
Coding change: c.1795G>C on transcript NM_207037.2 (MANE Select); coding-DNA position 1795, G replaced by C.
Protein change: p.Glu599Gln; replaces glutamic acid 599 with glutamine.
Molecular consequence: missense variant.
Genome position (GRCh38, 1-based): chr15:57,273,079, G>C. VCF-style: chr15-57273079-G-C. GRCh37 (hg19) VCF-style: chr15-57565277-G-C.
Other names: c.1285G>C, p.Glu429Gln (NM_001306219.3); c.1015G>C, p.Glu339Gln (NM_001306220.3); c.1795G>C, p.Glu599Gln (NM_001322151.2, NM_001322159.3, NM_001322162.2 and 1 more transcripts); c.1792G>C, p.Glu598Gln (NM_001322152.2, NM_001322161.2); c.1138G>C, p.Glu380Gln (NM_001322154.2); c.1621G>C, p.Glu541Gln (NM_001322156.2); c.1723G>C, p.Glu575Gln (NM_001322157.3, NM_001322165.2, NM_003205.4 and 1 more transcripts); c.1549G>C, p.Glu517Gln (NM_001322158.2); and 2 more; short protein forms E339Q, E380Q, E405Q, E429Q, E517Q, E541Q, E575Q, E587Q.
Identifiers: ClinVar variation 3367429 (VCV003367429.1).
Genomic context (GRCh38, chr15:57,273,079, plus strand): 5'-TTATTTTCTAGCAGTACTAATGAAGATGAGGATTTGAACCCTGAACAGAAGATAGAAAGG[G>C]AGAAGGAGAGGCGGATGGCTAACAATGCCAGAGAACGCTTACGCGTGCGGGATATTAATG-3'
Protein context (NP_996920.1, residues 589-609): DLNPEQKIER[Glu599Gln]KERRMANNAR

ClinVar aggregate classification (germline): Uncertain significance (1 of 4 stars; one submission).

Submission:

GeneDx
Classification: Uncertain significance. Last evaluated: 2024-01-18. Review status: criteria provided, single submitter. Criteria: GeneDx Variant Classification Process June 2021. Collection method: clinical testing. Allele origin: germline. Affected: yes.
Comment: Not observed at significant frequency in large population cohorts (gnomAD); In silico analysis supports that this missense variant has a deleterious effect on protein structure/function; Has not been previously published as pathogenic or benign to our knowledge